The following is an entry in ClinVar:

NM_006642.5(SDCCAG8):c.1946_1949del (p.Cys649fs)

Gene: SDCCAG8 (SHH signaling and ciliogenesis regulator SDCCAG8; plus strand). Cytogenetic location: 1q43.
Variant type: Microsatellite.
Coding change: c.1946_1949del on transcript NM_006642.5 (MANE Select); coding-DNA positions 1946 to 1949, 4 bases deleted (GTGT; older notation c.1946_1949delGTGT).
Protein change: p.Cys649fs; shifts the reading frame from cysteine 649.
Molecular consequence: frameshift variant.
Genome position (GRCh38, 1-based): chr1:243,426,519-243,426,522, GTGT deleted; deleting any 4 consecutive bases within chr1:243,426,517-243,426,522 gives the same sequence; the c. name uses the placement nearest the transcript's 3' end. VCF-style (leftmost placement, unchanged base first): chr1-243426516-AGTGT-A. GRCh37 (hg19) VCF-style: chr1-243589818-AGTGT-A.
Other names: c.1043_1046del, p.Cys348fs (NM_001350246.2, NM_001350247.2, NM_001350251.2); c.2042_2045del, p.Cys681fs (NM_001350248.2); c.1652_1655del, p.Cys551fs (NM_001350249.2); c.1946_1949delGTGT (NM_006642.3); short protein forms C348fs, C551fs, C649fs, C681fs.
Identifiers: ClinVar variation 59 (VCV000000059.2), dbSNP rs397515336, ClinGen allele CA113828.

ClinVar aggregate classification (germline): Pathogenic. Review status: criteria provided, single submitter (1 of 4 stars). 2 submissions from 2 submitters: Pathogenic (1). 1 of the submissions does not count toward it. Last evaluated 2025-01-24.

Conditions:
SDCCAG8-related disorder. Also called: SDCCAG8-related condition; SDCCAG8-Related Disorders.
Senior-Loken syndrome 7 (SLSN7). Identifiers: Orphanet 3156, MedGen C3150877, MONDO:0013326, OMIM 613615.

Submissions (2):

PreventionGenetics, part of Exact Sciences
Classification: Pathogenic for SDCCAG8-related condition. Last evaluated: 2025-01-24. Review status: criteria provided, single submitter. Criteria: ACMG Guidelines, 2015. Collection method: clinical testing. Allele origin: germline.
Comment: The SDCCAG8 c.1946_1949delGTGT variant is predicted to result in a frameshift and premature protein termination (p.Cys649Serfs*10). This variant has been reported in the homozygous state in a patient with nephronophthisis and retinal degeneration (Otto et al. 2010. PubMed ID: 20835237). This variant is reported in 0.00088% of alleles in individuals of European (Non-Finnish) descent in gnomAD. Frameshift variants in SDCCAG8 are expected to be pathogenic. This variant is interpreted as pathogenic.

OMIM
Classification: Pathogenic for SENIOR-LOKEN SYNDROME 7. Last evaluated: 2010-10-01. Review status: no assertion criteria provided. Collection method: literature only. Allele origin: germline. Not counted in ClinVar's aggregate classification.

Literature cited by the submitters: PubMed 20835237 (cited by OMIM).